The following is an entry in ClinVar:

ClinVar aggregate classification (germline): Uncertain significance (1 of 4 stars; one submission).

Conditions:
Hereditary insensitivity to pain with anhidrosis (CIPA). Also called: NTRK1 Congenital Insensitivity to Pain with Anhidrosis; HSAN Type IV; FAMILIAL DYSAUTONOMIA, TYPE II; hereditary sensory and autonomic neuropathy type 4; NEUROPATHY, CONGENITAL SENSORY, WITH ANHIDROSIS; INSENSITIVITY TO PAIN, CONGENITAL, WITH ANHIDROSIS. Identifiers: Orphanet 642, MedGen C0020074, MONDO:0009746, OMIM 256800.

Submission:

Labcorp Genetics (formerly Invitae), Labcorp
Classification: Uncertain significance for Hereditary insensitivity to pain with anhidrosis. Last evaluated: 2021-05-20. Review status: criteria provided, single submitter. Criteria: Invitae Variant Classification Sherloc (09022015). Collection method: clinical testing. Allele origin: germline.
Comment: In summary, the available evidence is currently insufficient to determine the role of this variant in disease. Therefore, it has been classified as a Variant of Uncertain Significance. Advanced modeling of protein sequence and biophysical properties (such as structural, functional, and spatial information, amino acid conservation, physicochemical variation, residue mobility, and thermodynamic stability) performed at Invitae indicates that this missense variant is expected to disrupt NTRK1 protein function. This variant has not been reported in the literature in individuals with NTRK1-related conditions. This variant is not present in population databases (ExAC no frequency). This sequence change replaces glycine with valine at codon 368 of the NTRK1 protein (p.Gly368Val). The glycine residue is highly conserved and there is a moderate physicochemical difference between glycine and valine.

NM_002529.4(NTRK1):c.1103G>T (p.Gly368Val)

Gene: NTRK1 (neurotrophic receptor tyrosine kinase 1; plus strand). Cytogenetic location: 1q23.1.
Variant type: single nucleotide variant.
Coding change: c.1103G>T on transcript NM_002529.4 (MANE Select); coding-DNA position 1103, G replaced by T.
Protein change: p.Gly368Val; replaces glycine 368 with valine.
Molecular consequence: missense variant.
Genome position (GRCh38, 1-based): chr1:156,873,885, G>T. VCF-style: chr1-156873885-G-T. GRCh37 (hg19) VCF-style: chr1-156843677-G-T.
Other names: c.1013G>T, p.Gly338Val (NM_001007792.1); c.1103G>T, p.Gly368Val (NM_001012331.2); short protein forms G368V, G338V.
Identifiers: ClinVar variation 1369745 (VCV001369745.8), dbSNP rs867144076, ClinGen allele CA342936188.
Genomic context (GRCh38, chr1:156,873,885, plus strand): 5'-TCAACCAGCCCACCCACGTCAACAACGGCAACTACACGCTGCTGGCTGCCAACCCCTTCG[G>T]CCAGGCCTCCGCCTCCATCATGGCTGCCTTCATGGACAACCCTTTCGAGTTCAACCCCGA-3'
Protein context (NP_002520.2, residues 358-378): NYTLLAANPF[Gly368Val]QASASIMAAF